The following is an entry in ClinVar:

NM_015076.5(CDK19):c.1141C>G (p.Gln381Glu)

Gene: CDK19 (cyclin dependent kinase 19; minus strand). Cytogenetic location: 6q21.
Variant type: single nucleotide variant.
Coding change: c.1141C>G on transcript NM_015076.5 (MANE Select); coding-DNA position 1141, C replaced by G.
Protein change: p.Gln381Glu; replaces glutamine 381 with glutamic acid.
Molecular consequence: missense variant.
Genome position (GRCh38, 1-based): chr6:110,621,340, G>C on the plus strand (C>G on the coding strand, the complement: CDK19 is on the minus strand). VCF-style: chr6-110621340-G-C. GRCh37 (hg19) VCF-style: chr6-110942543-G-C.
Other names: c.1009C>G, p.Gln337Glu (NM_001300960.2); c.961C>G, p.Gln321Glu (NM_001300963.2, NM_001300964.2); short protein forms Q321E, Q337E, Q381E.
Identifiers: ClinVar variation 1803465 (VCV001803465.1), dbSNP rs1252871484, ClinGen allele CA365356119.
Genomic context (GRCh38, chr6:110,621,340, plus strand): 5'-TCTGCTGTGGTGGGGGCGCCTGTGGAGGGGCTGCTGCCTGCTGTGGAGGGGCTGTGGGCT[G>C]CTGATGCTGGTTCTGCTGCTGTTGCTGATTCTTTTAAGGGGAAAAAAGCAAGCTTGGTAT-3'
Protein context (NP_055891.1, residues 371-391): NQQQQQNQHQ[Gln381Glu]PTAPPQQAAA

ClinVar aggregate classification (germline): Uncertain significance (1 of 4 stars; one submission).

Allele frequency attached by ClinVar (database versions not stated): gnomAD exomes below 0.00001.
gnomAD v4.1: 1 of 1,571,466 alleles (0.000064%); highest among the groups gnomAD compares: Admixed American, 0.0019%; no homozygotes.

Submission:

GeneDx
Classification: Uncertain significance. Last evaluated: 2022-06-09. Review status: criteria provided, single submitter. Criteria: GeneDx Variant Classification Process June 2021. Collection method: clinical testing. Allele origin: germline. Affected: yes.
Comment: In silico analysis supports that this missense variant does not alter protein structure/function; Has not been previously published as pathogenic or benign to our knowledge